The following is an entry in ClinVar:

NM_004304.5(ALK):c.665C>G (p.Thr222Ser)

Gene: ALK (ALK receptor tyrosine kinase; minus strand). Cytogenetic location: 2p23.1.
Variant type: single nucleotide variant.
Coding change: c.665C>G on transcript NM_004304.5 (MANE Select); coding-DNA position 665, C replaced by G.
Protein change: p.Thr222Ser; replaces threonine 222 with serine.
Molecular consequence: missense variant.
Genome position (GRCh38, 1-based): chr2:29,919,995, G>C on the plus strand (C>G on the coding strand, the complement: ALK is on the minus strand). VCF-style: chr2-29919995-G-C. GRCh37 (hg19) VCF-style: chr2-30142861-G-C.
Other names: short protein forms T222S.
Identifiers: ClinVar variation 3647111 (VCV003647111.2).

ClinVar aggregate classification (germline): Uncertain significance (1 of 4 stars; one submission).

Conditions:
Neuroblastoma, susceptibility to, 3. Also called: ALK-Related Neuroblastic Tumor Susceptibility. Identifiers: Orphanet 635, MedGen C2751681, MONDO:0013083, OMIM 613014.

Submission:

Labcorp Genetics (formerly Invitae), Labcorp
Classification: Uncertain significance for Neuroblastoma, susceptibility to, 3. Last evaluated: 2024-03-21. Review status: criteria provided, single submitter. Criteria: Invitae Variant Classification Sherloc (09022015). Collection method: clinical testing. Allele origin: germline.
Comment: This sequence change replaces threonine, which is neutral and polar, with serine, which is neutral and polar, at codon 222 of the ALK protein (p.Thr222Ser). This variant is not present in population databases (gnomAD no frequency). This variant has not been reported in the literature in individuals affected with ALK-related conditions. Algorithms developed to predict the effect of missense changes on protein structure and function output the following: SIFT: "Not Available"; PolyPhen-2: "Benign"; Align-GVGD: "Not Available". The serine amino acid residue is found in multiple mammalian species, which suggests that this missense change does not adversely affect protein function. In summary, the available evidence is currently insufficient to determine the role of this variant in disease. Therefore, it has been classified as a Variant of Uncertain Significance.